The following is an entry in ClinVar:

NM_024426.6(WT1):c.91C>T (p.Gln31Ter)

Genes: WT1 (WT1 transcription factor; minus strand), LOC107982234 (WT1/WT1-AS bi-directional promoter region; plus strand). Cytogenetic location: 11p13.
Variant type: single nucleotide variant.
Coding change: c.91C>T on transcript NM_024426.6 (MANE Select); coding-DNA position 91, C replaced by T.
Protein change: p.Gln31Ter; replaces glutamine 31 with a stop codon.
Molecular consequence: nonsense. On other transcripts: non-coding transcript variant (1).
Genome position (GRCh38, 1-based): chr11:32,435,270, G>A on the plus strand (C>T on the coding strand, the complement: WT1 is on the minus strand). VCF-style: chr11-32435270-G-A. GRCh37 (hg19) VCF-style: chr11-32456816-G-A.
Other names: c.91C>T, p.Gln31Ter (NM_000378.6, NM_024424.5); short protein forms Q31*.
Identifiers: ClinVar variation 847552 (VCV000847552.12), dbSNP rs914057243, ClinGen allele CA379966408.

ClinVar aggregate classification (germline): Uncertain significance. Review status: criteria provided, multiple submitters, no conflicts (2 of 4 stars). 3 submissions from 3 submitters: Uncertain significance (3). Last evaluated 2025-11-29.

Conditions:
Inborn genetic diseases. Identifiers: MedGen C0950123, MeSH D030342.
Frasier syndrome. Identifiers: Orphanet 347, MedGen C0950122, MeSH D052159, MONDO:0007635, OMIM 136680.
Drash syndrome (DDS). Also called: WILMS TUMOR AND PSEUDO- OR TRUE HERMAPHRODITISM; NEPHROPATHY, WILMS TUMOR, AND GENITAL ANOMALIES. Identifiers: Orphanet 220, MedGen C0950121, MONDO:0008682, OMIM 194080.
Wilms tumor 1 (WT1). Also called: Wilms tumor, somatic. Identifiers: Orphanet 654, MedGen CN033288, MONDO:0008679, OMIM 194070.
11p partial monosomy syndrome (WAGR). Also called: WAGR Complex; WAGR syndrome; WAGR Spectrum Disorder; CHROMOSOME 11p13 DELETION SYNDROME. Identifiers: Orphanet 893, MedGen C0206115, MONDO:0008681, OMIM 194072.

Submissions (3):

Labcorp Genetics (formerly Invitae), Labcorp
Classification: Uncertain significance for Wilms tumor 1; Drash syndrome; 11p partial monosomy syndrome; Frasier syndrome. Last evaluated: 2025-11-29. Review status: criteria provided, single submitter. Criteria: Invitae Variant Classification Sherloc (09022015). Collection method: clinical testing. Allele origin: germline.
Comment: This sequence change creates a premature translational stop signal (p.Gln26*) in the WT1 gene. It is unclear whether it will result in an absent or disrupted protein product because a major initiation site located at codon 69 has the potential to rescue this variant. This variant is not present in population databases (gnomAD no frequency). This variant has not been reported in the literature in individuals affected with WT1-related conditions. ClinVar contains an entry for this variant (Variation ID: 847552). Downstream of the non-canonical translation start site (CTG) at codon 1, the nearest methionine codon that can be used to initiate translation of the WT1 protein lies at codon 69. This downstream in-frame ATG is known as a major initiation site (PMID: 28811308, 16987884, 8621495). The functional significance of the different WT1 protein isoforms is unknown (PMID: 8621495), however mice lacking the N-terminal 68 amino acids develop normally and are fertile (PMID: 12640141). Based on these results, the impact of this variant on WT1 protein function is uncertain. In summary, the available evidence is currently insufficient to determine the role of this variant in disease. Therefore, it has been classified as a Variant of Uncertain Significance.

Ambry Genetics
Classification: Uncertain significance for Inborn genetic diseases. Last evaluated: 2025-04-09. Review status: criteria provided, single submitter. Criteria: Ambry Variant Classification Scheme 2023. Collection method: clinical testing. Allele origin: germline.
Comment: The p.Q26* variant (also known as c.76C>T), located in coding exon 1 of the WT1 gene, results from a C to T substitution at nucleotide position 76. This changes the amino acid from a glutamine to a stop codon within coding exon 1. The predicted stop codon occurs in the 5&rsquo; end of theWT1 gene. Premature termination codons in the 5&rsquo; end of a gene have been reported to escape nonsense-mediated mRNAdecay and/or lead to re-initiation (Rivas et al. Science. 2015 May 8;348(6235):666-9; Lindeboom et al. Nat Genet. 2016 Oct;48(10):1112-8; Rhee et al. Sci Rep. 2017 May 10;7(1):1653). The exact functional effect of this alteration is unknown. Since supporting evidence is limited at this time, the clinical significance of this alteration remains unclear.

GeneDx
Classification: Uncertain significance. Last evaluated: 2024-06-27. Review status: criteria provided, single submitter. Criteria: GeneDx Variant Classification Process June 2021. Collection method: clinical testing. Allele origin: germline. Affected: yes.
Comment: Not observed at significant frequency in large population cohorts (gnomAD); Nonsense variant predicted to result in protein truncation; however a downstream in-frame ATG could serve as an alternate initiator codon which may result in a smaller, yet still functional, protein (PMID: 8621495, 10438524, 17361230).; Has not been previously published as pathogenic or benign to our knowledge; This variant is associated with the following publications: (PMID: 21656076)

Literature cited by the submitters: PubMed 28811308 (cited by Labcorp Genetics (formerly Invitae), Labcorp); PubMed 16987884 (cited by Labcorp Genetics (formerly Invitae), Labcorp); PubMed 8621495 (cited by Labcorp Genetics (formerly Invitae), Labcorp); PubMed 12640141 (cited by Labcorp Genetics (formerly Invitae), Labcorp).